The following is an entry in ClinVar:

ClinVar aggregate classification (germline): Likely pathogenic (1 of 4 stars; one submission).

Submission:

Labcorp Genetics (formerly Invitae), Labcorp
Classification: Likely pathogenic. Last evaluated: 2024-09-01. Review status: criteria provided, single submitter. Criteria: Invitae Variant Classification Sherloc (09022015). Collection method: clinical testing. Allele origin: germline.
Comment: This sequence change affects a donor splice site in intron 31 of the DUOX2 gene. It is expected to disrupt RNA splicing. Variants that disrupt the donor or acceptor splice site typically lead to a loss of protein function (PMID: 16199547), and loss-of-function variants in DUOX2 are known to be pathogenic (PMID: 12110737, 18765513, 21565790, 24423310, 24735383). This variant is not present in population databases (gnomAD no frequency). This variant has not been reported in the literature in individuals affected with DUOX2-related conditions. Algorithms developed to predict the effect of sequence changes on RNA splicing suggest that this variant may disrupt the consensus splice site. In summary, the currently available evidence indicates that the variant is pathogenic, but additional data are needed to prove that conclusively. Therefore, this variant has been classified as Likely Pathogenic.

Literature cited by the submitters: PubMed 16199547; PubMed 12110737; PubMed 18765513; PubMed 21565790; PubMed 24423310; PubMed 24735383.

NM_001363711.2(DUOX2):c.4239+1G>T

Gene: DUOX2 (dual oxidase 2; minus strand). Cytogenetic location: 15q21.1.
Variant type: single nucleotide variant.
Coding change: c.4239+1G>T on transcript NM_001363711.2 (MANE Select); the canonical splice donor site of the intron after coding-DNA position 4239, G replaced by T.
Molecular consequence: splice donor variant.
Genome position (GRCh38, 1-based): chr15:45,095,436, C>A on the plus strand (G>T on the coding strand, the complement: DUOX2 is on the minus strand). VCF-style: chr15-45095436-C-A. GRCh37 (hg19) VCF-style: chr15-45387634-C-A.
Other names: c.4239+1G>T (NM_014080.5).
Identifiers: ClinVar variation 3664182 (VCV003664182.2).